The following is an entry in ClinVar:

NM_003791.4(MBTPS1):c.569C>T (p.Pro190Leu)

Gene: MBTPS1 (membrane bound transcription factor peptidase, site 1; minus strand). Cytogenetic location: 16q23.3.
Variant type: single nucleotide variant.
Coding change: c.569C>T on transcript NM_003791.4 (MANE Select); coding-DNA position 569, C replaced by T.
Protein change: p.Pro190Leu; replaces proline 190 with leucine.
Molecular consequence: missense variant.
Genome position (GRCh38, 1-based): chr16:84,095,658, G>A on the plus strand (C>T on the coding strand, the complement: MBTPS1 is on the minus strand). VCF-style: chr16-84095658-G-A. GRCh37 (hg19) VCF-style: chr16-84129263-G-A.
Other names: c.569C>T (NM_003791.2); short protein forms P190L.
Identifiers: ClinVar variation 2183792 (VCV002183792.3), dbSNP rs138035660, ClinGen allele CA8201721.

ClinVar aggregate classification (germline): Uncertain significance. Review status: criteria provided, multiple submitters, no conflicts (2 of 4 stars). 2 submissions from 2 submitters: Uncertain significance (2). Last evaluated 2024-12-14.

Conditions:
Inborn genetic diseases. Identifiers: MedGen C0950123, MeSH D030342.

Allele frequency attached by ClinVar (database versions not stated): ExAC 0.00004; TOPMed 0.00005; gnomAD 0.00007; ESP Exome Variant Server 0.00008.
gnomAD v4.1: 140 of 1,614,090 alleles (0.0087%); highest among the groups gnomAD compares: Non-Finnish European, 0.011%; no homozygotes.

Submissions (2):

Ambry Genetics
Classification: Uncertain significance for Inborn genetic diseases. Last evaluated: 2024-12-14. Review status: criteria provided, single submitter. Criteria: Ambry Variant Classification Scheme 2023. Collection method: clinical testing. Allele origin: germline.

Labcorp Genetics (formerly Invitae), Labcorp
Classification: Uncertain significance. Last evaluated: 2022-08-12. Review status: criteria provided, single submitter. Criteria: Invitae Variant Classification Sherloc (09022015). Collection method: clinical testing. Allele origin: germline.
Comment: This sequence change replaces proline, which is neutral and non-polar, with leucine, which is neutral and non-polar, at codon 190 of the MBTPS1 protein (p.Pro190Leu). This variant is present in population databases (rs138035660, gnomAD 0.01%). This variant has not been reported in the literature in individuals affected with MBTPS1-related conditions. Algorithms developed to predict the effect of missense changes on protein structure and function (SIFT, PolyPhen-2, Align-GVGD) all suggest that this variant is likely to be tolerated. In summary, the available evidence is currently insufficient to determine the role of this variant in disease. Therefore, it has been classified as a Variant of Uncertain Significance.